The following is an entry in ClinVar:

NM_000548.5(TSC2):c.3115A>G (p.Thr1039Ala)

Gene: TSC2 (TSC complex subunit 2; plus strand). Cytogenetic location: 16p13.3.
Variant type: single nucleotide variant.
Coding change: c.3115A>G on transcript NM_000548.5 (MANE Select); coding-DNA position 3115, A replaced by G.
Protein change: p.Thr1039Ala; replaces threonine 1039 with alanine.
Molecular consequence: missense variant.
Genome position (GRCh38, 1-based): chr16:2,079,180, A>G. VCF-style: chr16-2079180-A-G. GRCh37 (hg19) VCF-style: chr16-2129181-A-G.
Other names: c.2983A>G, p.Thr995Ala (NM_001077183.3, NM_001370404.1); c.3115A>G, p.Thr1039Ala (NM_001114382.3); c.2875A>G, p.Thr959Ala (NM_001318827.2); c.2839A>G, p.Thr947Ala (NM_001318829.2); c.2383A>G, p.Thr795Ala (NM_001318831.2); c.3016A>G, p.Thr1006Ala (NM_001318832.2); c.2986A>G, p.Thr996Ala (NM_001363528.2, NM_001370405.1, NM_021055.3); short protein forms T995A, T1039A, T795A, T996A, T1006A, T947A, T959A.
Identifiers: ClinVar variation 1378239 (VCV001378239.6), dbSNP rs2151434691, ClinGen allele CA394284884.

ClinVar aggregate classification (germline): Uncertain significance (1 of 4 stars; one submission).

Conditions:
Tuberous sclerosis 2 (TSC2). Identifiers: Orphanet 805, MedGen C1860707, MONDO:0013199, OMIM 613254.

Submission:

Labcorp Genetics (formerly Invitae), Labcorp
Classification: Uncertain significance for Tuberous sclerosis 2. Last evaluated: 2022-02-28. Review status: criteria provided, single submitter. Criteria: Invitae Variant Classification Sherloc (09022015). Collection method: clinical testing. Allele origin: germline.
Comment: Advanced modeling of protein sequence and biophysical properties (such as structural, functional, and spatial information, amino acid conservation, physicochemical variation, residue mobility, and thermodynamic stability) performed at Invitae indicates that this missense variant is not expected to disrupt TSC2 protein function. This variant has not been reported in the literature in individuals affected with TSC2-related conditions. This variant is not present in population databases (gnomAD no frequency). This sequence change replaces threonine, which is neutral and polar, with alanine, which is neutral and non-polar, at codon 1039 of the TSC2 protein (p.Thr1039Ala). In summary, the available evidence is currently insufficient to determine the role of this variant in disease. Therefore, it has been classified as a Variant of Uncertain Significance.